The following is an entry in ClinVar:

NM_000868.4(HTR2C):c.180C>T (p.Ile60=)

Gene: HTR2C (5-hydroxytryptamine receptor 2C; plus strand). Cytogenetic location: Xq23.
Variant type: single nucleotide variant.
Coding change: c.180C>T on transcript NM_000868.4 (MANE Select); coding-DNA position 180, C replaced by T.
Protein change: p.Ile60=; no amino-acid change (isoleucine 60 retained).
Molecular consequence: synonymous variant.
Genome position (GRCh38, 1-based): chrX:114,731,438, C>T. VCF-style: chrX-114731438-C-T. GRCh37 (hg19) VCF-style: chrX-113965847-C-T.
Other names: c.180C>T, p.Ile60= (NM_001256760.3, NM_001256761.3).
Identifiers: ClinVar variation 4989049 (VCV004989049.1).

ClinVar aggregate classification (germline): Likely benign (1 of 4 stars; one submission).

Conditions:
HTR2C-related disorder. Also called: HTR2C-related condition.

gnomAD v4.1: 56 of 1,207,939 alleles (0.0046%); highest among the groups gnomAD compares: South Asian, 0.053%; no homozygotes.

Submission:

PreventionGenetics, part of Exact Sciences
Classification: Likely benign for HTR2C-related condition. Last evaluated: 2025-09-05. Review status: criteria provided, single submitter. Criteria: ACMG Guidelines, 2015. Collection method: clinical testing. Allele origin: germline.
Comment: This variant is classified as likely benign based on ACMG/AMP sequence variant interpretation guidelines (Richards et al. 2015 PMID: 25741868, with internal and published modifications).